The following is an entry in ClinVar:

NM_000517.6(HBA2):c.369C>G (p.His123Gln)

Genes: HBA1 (hemoglobin subunit alpha 1; plus strand), HBA2 (hemoglobin subunit alpha 2; plus strand), LOC106804612 (hemoglobin subunit alpha 2 recombination region; plus strand). Cytogenetic location: 16p13.3.
Variant type: single nucleotide variant.
Coding change: c.369C>G on transcript NM_000517.6 (MANE Select); coding-DNA position 369, C replaced by G.
Protein change: p.His123Gln; replaces histidine 123 with glutamine.
Molecular consequence: missense variant.
Genome position (GRCh38, 1-based): chr16:173,540, C>G. VCF-style: chr16-173540-C-G. GRCh37 (hg19) VCF-style: chr16-223539-C-G.
Other names: H122Q; Hb Westmead; short protein forms H123Q.
Identifiers: ClinVar variation 439771 (VCV000439771.29), dbSNP rs41479347, ClinGen allele CA7770181.

ClinVar aggregate classification (germline): Conflicting classifications of pathogenicity. Review status: criteria provided, conflicting classifications (1 of 4 stars). 11 submissions from 8 submitters: Likely pathogenic (1); Uncertain significance (8). 2 of the submissions do not count toward it. Last evaluated 2025-07-30.

Conditions:
Erythrocytosis, familial, 7. Also called: POLYCYTHEMIA, ALPHA-GLOBIN TYPE; ERYTHROCYTOSIS, ALPHA-GLOBIN TYPE; ERYTHROCYTOSIS 7. Identifiers: MedGen C4693823, MONDO:0054802, OMIM 617981.
Hemoglobin H disease (HBH). Also called: ALPHA-THALASSEMIA, HEMOGLOBIN H TYPE; HEMOGLOBIN H DISEASE, DELETIONAL; Hemoglobin H (HbH) Disease. Identifiers: Orphanet 93616, MedGen C3161174, MONDO:0013512, OMIM 613978. Disease mechanism: loss of function.
alpha Thalassemia. Also called: Alpha thalassemia spectrum. Identifiers: Orphanet 846, MedGen C0002312, MONDO:0011399, OMIM 604131.
Heinz body anemia. Also called: Heinz body hemolytic anemia. Identifiers: Orphanet 178330, MedGen C0700299, MONDO:0007705, OMIM 140700, HP:0005511.
HEMOGLOBIN WESTMEAD.

Allele frequency attached by ClinVar (database versions not stated): TOPMed 0.00010; gnomAD exomes 0.00013; ExAC 0.00016; 1000 Genomes Project 30x 0.00062; 1000 Genomes Project 0.00080.
gnomAD v4.1: 194 of 1,607,450 alleles (0.012%); highest among the groups gnomAD compares: East Asian, 0.071%; 3 homozygotes.

Submissions (11):

Quest Diagnostics Nichols Institute San Juan Capistrano
Classification: Uncertain significance. Last evaluated: 2025-07-30. Review status: criteria provided, single submitter. Criteria: Quest Diagnostics criteria. Collection method: clinical testing. Allele origin: unknown.
Comment: The HBA2 c.369C>G (p.His123Gln) variant has been reported in the published literature in as being normal or mildly unstable (PMID: 6153381 (1980) and 1787098 (1991)). Individuals heterozygous for this variant have normal clinical presentations with Hb Westmead being 15 - 20% of the total hemoglobin (see HbVar and PMID: 25818820 (2015)). This variant has also been reported in compound heterozygosity along with beta thalassemia variants in individuals with thalassemia intermedia (PMID: 15182058 (2004)), microcytosis and hypochromia (PMID: 36797585 (2023)). The frequency of this variant in the general population (Genome Aggregation Database) is uninformative in the assessment of its pathogenicity. Analysis of this variant using bioinformatics tools for the prediction of the effect of amino acid changes on protein structure and function yielded predictions that this variant is damaging. Additional analysis using software algorithms for the prediction of the effect of nucleotide changes on HBA2 mRNA splicing yielded predictions that this variant may result in the gain of a cryptic splice site without affecting the natural splice sites. Based on the available information, we are unable to determine the clinical significance of this variant.

ARUP Laboratories, Molecular Genetics and Genomics, ARUP Laboratories
Classification: Uncertain significance. Last evaluated: 2025-01-12. Review status: criteria provided, single submitter. Criteria: ARUP Molecular Germline Variant Investigation Process 2024. Collection method: clinical testing. Allele origin: germline.
Comment: The Hb Westmead variant (HBA2: c.369C>G; p.His123Gln, also known as His122Gln when numbered from the mature protein, rs41479347, HbVar ID: 185) has been reported in the heterozygous state in multiple individuals of East Asian descent, but has not been associated with significant clinical symptoms (Jiang 2020, Ma 2001, Viprakasit 2014, Wong 2004, HbVar database and references therein). This variant has been reported in homozygous individuals with mild anemia (Jiang 2020). However, it is an unstable hemoglobin variant, and its co-occurrence with beta thalassemia results in milder symptoms for the patient (Scheps 2020, Wong 2004, HbVar database and references therein). This variant is reported in ClinVar (Variation ID: 439771). It is found in the East Asian population with an overall allele frequency of 0.17% (33/19844 alleles) in the Genome Aggregation Database (v2.1.1). Computational analyses are uncertain whether this variant is neutral or deleterious (REVEL: 0.618). Given the lack of clinical and functional data, the significance of the p.His123Gln variant is uncertain at this time. References: HbVar database: Jiang F et al. Hb Westmead (HBA2: c.369C>G): Hematological Characteristics in Heterozygotes with and without a0-Thalassemia. Hemoglobin. 2020 May;44(3):153-155. PMID: 32436451. Ma E et al. Interaction between (--SEA) alpha-thalassemia deletion and uncommon non-deletional alpha-globin gene mutations in Chinese patients. Haematologica. 2001; 86(5):539-40. PMID: 11410420. Scheps KG et al. Curating the gnomAD database: Report of novel variants in the globin-coding genes and bioinformatics analysis. Hum Mutat. 2020 Jan;41(1):81-102. PMID: 31553106. Viprakasit V et al. Clinical presentation and molecular identification of four uncommon alpha globin variants in Thailand. Acta Haematol. 2014;131(2):88-94. PMID: 24081251. Wong W et al. Thalassemia intermedia due to co-inheritance of beta0/beta(+)-thalassemia and (--SEA) alpha-thalassemia/Hb Westmead (alpha122(H5)His > Gln (alpha2)) in a Chinese family. Hemoglobin. 2004; 28(2):151-6. PMID: 15182058.

Blueprint Genetics
Classification: Uncertain significance. Last evaluated: 2023-09-19. Review status: criteria provided, single submitter. Criteria: ACMG Guidelines, 2015. Collection method: clinical testing. Allele origin: germline.

Baylor Genetics
Classification: Uncertain significance for alpha Thalassemia. Last evaluated: 2022-11-29. Review status: criteria provided, single submitter. Criteria: ACMG Guidelines, 2015. Collection method: clinical testing. Allele origin: unknown.

Baylor Genetics
Classification: Uncertain significance for Erythrocytosis, familial, 7. Last evaluated: 2022-11-29. Review status: criteria provided, single submitter. Criteria: ACMG Guidelines, 2015. Collection method: clinical testing. Allele origin: unknown.

Baylor Genetics
Classification: Uncertain significance for Hemoglobin H disease. Last evaluated: 2022-11-29. Review status: criteria provided, single submitter. Criteria: ACMG Guidelines, 2015. Collection method: clinical testing. Allele origin: unknown.

Baylor Genetics
Classification: Uncertain significance for Heinz body anemia. Last evaluated: 2022-11-29. Review status: criteria provided, single submitter. Criteria: ACMG Guidelines, 2015. Collection method: clinical testing. Allele origin: unknown.

Fulgent Genetics
Classification: Uncertain significance for Heinz body anemia; alpha Thalassemia; Hemoglobin H disease; Erythrocytosis, familial, 7. Last evaluated: 2022-04-28. Review status: criteria provided, single submitter. Criteria: ACMG Guidelines, 2015. Collection method: clinical testing. Allele origin: unknown.

Juno Genomics, Hangzhou Juno Genomics, Inc
Classification: Likely pathogenic for alpha Thalassemia. Review status: criteria provided, single submitter. Criteria: ACMG Guidelines, 2015. Collection method: clinical testing. Allele origin: germline.
Comment: For recessive disorders, detected in trans with a pathogenic variant.;Patient's phenotype or family history is highly specific for a disease with a single genetic etiology.

Natera, Inc.
Classification: Uncertain significance for Alpha thalassemia. Last evaluated: 2020-09-16. Review status: no assertion criteria provided. Collection method: clinical testing. Allele origin: germline. Not counted in ClinVar's aggregate classification.

OMIM
Classification: other for HEMOGLOBIN WESTMEAD. Last evaluated: 2018-05-10. Review status: no assertion criteria provided. Collection method: literature only. Allele origin: germline. Not counted in ClinVar's aggregate classification.

Literature cited by the submitters: PubMed 27577202 (cited by Quest Diagnostics Nichols Institute San Juan Capistrano); PubMed 11410420 (cited by Quest Diagnostics Nichols Institute San Juan Capistrano); PubMed 31111755 (cited by Quest Diagnostics Nichols Institute San Juan Capistrano); PubMed 31113390 (cited by Quest Diagnostics Nichols Institute San Juan Capistrano); PubMed 28125089 (cited by Quest Diagnostics Nichols Institute San Juan Capistrano); PubMed 28506685 (cited by Quest Diagnostics Nichols Institute San Juan Capistrano); PubMed 29477874 (cited by Quest Diagnostics Nichols Institute San Juan Capistrano); PubMed 24200101 (cited by Quest Diagnostics Nichols Institute San Juan Capistrano); PubMed 26193976 (cited by Quest Diagnostics Nichols Institute San Juan Capistrano); PubMed 26715484 (cited by Quest Diagnostics Nichols Institute San Juan Capistrano); PubMed 27207683 (cited by Quest Diagnostics Nichols Institute San Juan Capistrano); PubMed 36797585 (cited by Quest Diagnostics Nichols Institute San Juan Capistrano); PubMed 1686260 (cited by Quest Diagnostics Nichols Institute San Juan Capistrano); PubMed 25818820 (cited by Quest Diagnostics Nichols Institute San Juan Capistrano); PubMed 6153381 (cited by Quest Diagnostics Nichols Institute San Juan Capistrano and OMIM); PubMed 1787098 (cited by Quest Diagnostics Nichols Institute San Juan Capistrano); PubMed 15182058 (cited by Quest Diagnostics Nichols Institute San Juan Capistrano); PubMed 25897478 (cited by Quest Diagnostics Nichols Institute San Juan Capistrano); PubMed 21599435 (cited by Quest Diagnostics Nichols Institute San Juan Capistrano); PubMed 24081251 (cited by Quest Diagnostics Nichols Institute San Juan Capistrano); PubMed 3384694 (cited by OMIM).